The following is an entry in ClinVar:

NM_177438.3(DICER1):c.3496G>T (p.Val1166Phe)

Gene: DICER1 (dicer 1, ribonuclease III; minus strand). Cytogenetic location: 14q32.13.
Variant type: single nucleotide variant.
Coding change: c.3496G>T on transcript NM_177438.3 (MANE Select); coding-DNA position 3496, G replaced by T.
Protein change: p.Val1166Phe; replaces valine 1166 with phenylalanine.
Molecular consequence: missense variant.
Genome position (GRCh38, 1-based): chr14:95,103,900, C>A on the plus strand (G>T on the coding strand, the complement: DICER1 is on the minus strand). VCF-style: chr14-95103900-C-A. GRCh37 (hg19) VCF-style: chr14-95570237-C-A.
Other names: c.3496G>T, p.Val1166Phe (NM_001195573.1, NM_001271282.3, NM_001291628.2 and 1 more transcripts); short protein forms V1166F.
Identifiers: ClinVar variation 823845 (VCV000823845.14), dbSNP rs368588781, ClinGen allele CA390875181.

ClinVar aggregate classification (germline): Uncertain significance. Review status: criteria provided, multiple submitters, no conflicts (2 of 4 stars). 3 submissions from 3 submitters: Uncertain significance (2). 1 of the submissions does not count toward it. Last evaluated 2021-10-13.

Conditions:
DICER1-related tumor predisposition. Also called: DICER1-related pleuropulmonary blastoma cancer predisposition syndrome; DICER1 syndrome. Identifiers: Orphanet 284343, MedGen C3839822, MONDO:0100216.
Hereditary cancer-predisposing syndrome. Also called: Neoplastic Syndromes, Hereditary; Hereditary Cancer Syndrome; Hereditary neoplastic syndrome; Tumor predisposition. Identifiers: Orphanet 140162, MedGen C0027672, MeSH D009386, MONDO:0015356.

Submissions (3):

Labcorp Genetics (formerly Invitae), Labcorp
Classification: Uncertain significance for DICER1-related tumor predisposition. Last evaluated: 2021-10-13. Review status: criteria provided, single submitter. Criteria: Invitae Variant Classification Sherloc (09022015). Collection method: clinical testing. Allele origin: germline.
Comment: This sequence change replaces valine with phenylalanine at codon 1166 of the DICER1 protein (p.Val1166Phe). The valine residue is weakly conserved and there is a small physicochemical difference between valine and phenylalanine. This variant is not present in population databases (ExAC no frequency). This variant has not been reported in the literature in individuals affected with DICER1-related conditions. Algorithms developed to predict the effect of missense changes on protein structure and function are either unavailable or do not agree on the potential impact of this missense change (SIFT: "Deleterious"; PolyPhen-2: "Benign"; Align-GVGD: "Class C0"). In summary, the available evidence is currently insufficient to determine the role of this variant in disease. Therefore, it has been classified as a Variant of Uncertain Significance.

Ambry Genetics
Classification: Uncertain significance for Hereditary cancer-predisposing syndrome. Last evaluated: 2019-09-19. Review status: criteria provided, single submitter. Criteria: Ambry Variant Classification Scheme 2023. Collection method: clinical testing. Allele origin: germline.
Comment: The p.V1166F variant (also known as c.3496G>T), located in coding exon 20 of the DICER1 gene, results from a G to T substitution at nucleotide position 3496. The valine at codon 1166 is replaced by phenylalanine, an amino acid with highly similar properties. This amino acid position is poorly conserved in available vertebrate species. In addition, this alteration is predicted to be tolerated by in silico analysis. Since supporting evidence is limited at this time, the clinical significance of this alteration remains unclear.

Genetic Services Laboratory, University of Chicago
Classification: Uncertain significance. Last evaluated: 2022-07-22. Review status: no assertion criteria provided. Collection method: clinical testing. Allele origin: germline. Affected: no. Not counted in ClinVar's aggregate classification.
Comment: DNA sequence analysis of the DICER1 gene demonstrated a sequence change, c.3496G>T, in exon 21 that results in an amino acid change, p.Val1166Phe. This sequence change does not appear to have been previously described in individuals with DICER1-related disorders and has also not been described in population databases such as ExAC and gnomAD. The p.Val1166Phe change affects a poorly conserved amino acid residue located in a domain of the DICER1 protein that is not known to be functional. In-silico pathogenicity prediction tools (SIFT, PolyPhen2, Align GVGD, REVEL) provide contradictory results for the p.Val1166Phe substitution. Due to insufficient evidences and the lack of functional studies, the clinical significance of the p.Val1166Phe change remains unknown at this time.